The following is an entry in ClinVar:

ClinVar aggregate classification (germline): Pathogenic (1 of 4 stars; one submission).

Conditions:
Hereditary cancer-predisposing syndrome. Also called: Neoplastic Syndromes, Hereditary; Tumor predisposition; Hereditary Cancer Syndrome; Hereditary neoplastic syndrome. Identifiers: Orphanet 140162, MedGen C0027672, MeSH D009386, MONDO:0015356.

Submission:

Ambry Genetics
Classification: Pathogenic for Hereditary cancer-predisposing syndrome. Last evaluated: 2019-06-17. Review status: criteria provided, single submitter. Criteria: Ambry Variant Classification Scheme 2023. Collection method: clinical testing. Allele origin: germline.
Comment: The c.2048delA pathogenic mutation, located in coding exon 5 of the PALB2 gene, results from a deletion of one nucleotide at nucleotide position 2048, causing a translational frameshift with a predicted alternate stop codon (p.H683Lfs*26). This alteration is expected to result in loss of function by premature protein truncation or nonsense-mediated mRNA decay. As such, this alteration is interpreted as a disease-causing mutation.

NM_024675.4(PALB2):c.2048del (p.His683fs)

Gene: PALB2 (partner and localizer of BRCA2; minus strand). Cytogenetic location: 16p12.2.
Variant type: Deletion.
Coding change: c.2048del on transcript NM_024675.4 (MANE Select); coding-DNA position 2048, one base deleted (A; older notation c.2048delA).
Protein change: p.His683fs; shifts the reading frame from histidine 683.
Molecular consequence: frameshift variant.
Genome position (GRCh38, 1-based): chr16:23,630,106, T deleted on the plus strand (A on the coding strand, the reverse complement: PALB2 is on the minus strand). VCF-style (leftmost placement, unchanged base first): chr16-23630105-AT-A. GRCh37 (hg19) VCF-style: chr16-23641426-AT-A.
Other names: short protein forms H683fs.
Identifiers: ClinVar variation 820603 (VCV000820603.4), dbSNP rs1597090324, ClinGen allele CA915949190.